The following is an entry in ClinVar:

ClinVar aggregate classification (germline): Benign/Likely benign. Review status: criteria provided, multiple submitters, no conflicts (2 of 4 stars). 4 submissions from 4 submitters: Benign (3); Likely benign (1). Last evaluated 2026-01-27.

Conditions:
Frontometaphyseal dysplasia (FMD1). Identifiers: Orphanet 1826, MedGen C0265293, MONDO:0015942.
Melnick-Needles syndrome (MNS). Also called: MELNICK-NEEDLES OSTEODYSPLASTY; OSTEODYSPLASTY OF MELNICK AND NEEDLES; Melnick-Needles Syndrome (FLNA-MNS). Identifiers: Orphanet 2484, MedGen C0025237, MONDO:0010650, OMIM 309350.
Oto-palato-digital syndrome, type II (OPD2). Also called: FACIOPALATOOSSEOUS SYNDROME; Otopalatodigital Syndrome, Type II; OPD II SYNDROME; Otopalatodigital Syndrome Type 2 (FLNA-OPD2). Identifiers: Orphanet 669, Orphanet 90652, MedGen C1844696, MONDO:0010571, OMIM 304120.
Heterotopia, periventricular, X-linked dominant (PVNH1). Also called: PERIVENTRICULAR NODULAR HETEROTOPIA 1; PERIVENTRICULAR NODULAR HETEROTOPIA 4; HETEROTOPIA, PERIVENTRICULAR, 1; X-linked periventricular heterotopia. Identifiers: Orphanet 2149, Orphanet 82004, MedGen C1848213, MONDO:0010233, OMIM 300049.

Allele frequency attached by ClinVar (database versions not stated): gnomAD exomes 0.00012 and 0.00033; 1000 Genomes Project 30x 0.00021; 1000 Genomes Project 0.00026; ExAC 0.00042; ESP Exome Variant Server 0.00071; gnomAD 0.00087 and 0.00089; TOPMed 0.00103.
gnomAD v4.1: 237 of 1,209,901 alleles (0.02%); highest among the groups gnomAD compares: African/African-American, 0.32%; no homozygotes.

Submissions (4):

Labcorp Genetics (formerly Invitae), Labcorp
Classification: Benign for Oto-palato-digital syndrome, type II; Heterotopia, periventricular, X-linked dominant; Frontometaphyseal dysplasia; Melnick-Needles syndrome. Last evaluated: 2026-01-27. Review status: criteria provided, single submitter. Criteria: Invitae Variant Classification Sherloc (09022015). Collection method: clinical testing. Allele origin: germline.

Women's Health and Genetics/Laboratory Corporation of America, LabCorp
Classification: Benign. Last evaluated: 2023-07-21. Review status: criteria provided, single submitter. Criteria: LabCorp Variant Classification Summary - May 2015. Collection method: clinical testing. Allele origin: germline.

Blueprint Genetics
Classification: Likely benign. Last evaluated: 2022-08-08. Review status: criteria provided, single submitter. Criteria: ACMG Guidelines, 2015. Collection method: clinical testing. Allele origin: germline.

GeneDx
Classification: Benign. Last evaluated: 2015-08-10. Review status: criteria provided, single submitter. Criteria: GeneDx Variant Classification (06012015). Collection method: clinical testing. Allele origin: germline. Affected: yes.
Comment: This variant is considered likely benign or benign based on one or more of the following criteria: it is a conservative change, it occurs at a poorly conserved position in the protein, it is predicted to be benign by multiple in silico algorithms, and/or has population frequency not consistent with disease.

NM_001110556.2(FLNA):c.1066-19C>T

Gene: FLNA (filamin A; minus strand). Cytogenetic location: Xq28.
Variant type: single nucleotide variant.
Coding change: c.1066-19C>T on transcript NM_001110556.2 (MANE Select); 19 bases into the intron before coding-DNA position 1066, C replaced by T.
Molecular consequence: intron variant.
Genome position (GRCh38, 1-based): chrX:154,366,489, G>A on the plus strand (C>T on the coding strand, the complement: FLNA is on the minus strand). VCF-style: chrX-154366489-G-A. GRCh37 (hg19) VCF-style: chrX-153594857-G-A.
Other names: c.1066-19C>T (NM_001456.4).
Identifiers: ClinVar variation 377881 (VCV000377881.10), dbSNP rs369196285, ClinGen allele CA10561269.